The following is an entry in ClinVar:

NM_005732.4(RAD50):c.103G>A (p.Val35Ile)

Gene: RAD50 (RAD50 double strand break repair protein; plus strand). Cytogenetic location: 5q31.1.
Variant type: single nucleotide variant.
Coding change: c.103G>A on transcript NM_005732.4 (MANE Select); coding-DNA position 103, G replaced by A.
Protein change: p.Val35Ile; replaces valine 35 with isoleucine.
Molecular consequence: missense variant.
Genome position (GRCh38, 1-based): chr5:132,557,427, G>A. VCF-style: chr5-132557427-G-A. GRCh37 (hg19) VCF-style: chr5-131893119-G-A.
Other names: short protein forms V35I.
Identifiers: ClinVar variation 1471793 (VCV001471793.11), dbSNP rs1554096654, ClinGen allele CA360951658.
Genomic context (GRCh38, chr5:132,557,427, plus strand): 5'-TTTGGAATAGAGGACAAAGATAAGCAAATTATCACTTTCTTCAGCCCCCTTACAATTTTG[G>A]TTGGACCCAATGGGGCGGGAAAGACGGTAAGTCTTCAGTAGCCGCCTTCAGTTTACAGGT-3'
Protein context (NP_005723.2, residues 25-45): ITFFSPLTIL[Val35Ile]GPNGAGKTTI

ClinVar aggregate classification (germline): Uncertain significance. Review status: criteria provided, multiple submitters, no conflicts (2 of 4 stars). 2 submissions from 2 submitters: Uncertain significance (2). Last evaluated 2024-06-30.

Conditions:
Hereditary cancer-predisposing syndrome. Also called: Tumor predisposition; Hereditary Cancer Syndrome; Hereditary neoplastic syndrome; Neoplastic Syndromes, Hereditary. Identifiers: Orphanet 140162, MedGen C0027672, MeSH D009386, MONDO:0015356.

gnomAD v4.1: 2 of 1,614,206 alleles (0.00012%); highest among the groups gnomAD compares: South Asian, 0.0011%; no homozygotes.

Submissions (2):

Ambry Genetics
Classification: Uncertain significance for Hereditary cancer-predisposing syndrome. Last evaluated: 2024-06-30. Review status: criteria provided, single submitter. Criteria: Ambry Variant Classification Scheme 2023. Collection method: clinical testing. Allele origin: germline.
Comment: The p.V35I variant (also known as c.103G>A), located in coding exon 1 of the RAD50 gene, results from a G to A substitution at nucleotide position 103. The valine at codon 35 is replaced by isoleucine, an amino acid with highly similar properties. This amino acid position is conserved. In addition, this alteration is predicted to be tolerated by in silico analysis. Since supporting evidence is limited at this time, the clinical significance of this alteration remains unclear.

Labcorp Genetics (formerly Invitae), Labcorp
Classification: Uncertain significance for Hereditary cancer-predisposing syndrome. Last evaluated: 2024-05-21. Review status: criteria provided, single submitter. Criteria: Invitae Variant Classification Sherloc (09022015). Collection method: clinical testing. Allele origin: germline.
Comment: This sequence change replaces valine, which is neutral and non-polar, with isoleucine, which is neutral and non-polar, at codon 35 of the RAD50 protein (p.Val35Ile). This variant is not present in population databases (gnomAD no frequency). This variant has not been reported in the literature in individuals affected with RAD50-related conditions. ClinVar contains an entry for this variant (Variation ID: 1471793). Advanced modeling of protein sequence and biophysical properties (such as structural, functional, and spatial information, amino acid conservation, physicochemical variation, residue mobility, and thermodynamic stability) performed at Invitae indicates that this missense variant is expected to disrupt RAD50 protein function with a positive predictive value of 80%. In summary, the available evidence is currently insufficient to determine the role of this variant in disease. Therefore, it has been classified as a Variant of Uncertain Significance.